The following is an entry in ClinVar:

ClinVar aggregate classification (germline): Uncertain significance (1 of 4 stars; one submission).

Conditions:
Weaver syndrome (WVS). Also called: Weaver Smith syndrome; Overgrowth syndrome with accelerated skeletal maturation, unusual facies, and camptodactyly. Identifiers: Orphanet 3447, MedGen C0265210, MONDO:0010193, OMIM 277590.

Submission:

Labcorp Genetics (formerly Invitae), Labcorp
Classification: Uncertain significance for Weaver syndrome. Last evaluated: 2024-11-03. Review status: criteria provided, single submitter. Criteria: Invitae Variant Classification Sherloc (09022015). Collection method: clinical testing. Allele origin: germline.
Comment: This sequence change replaces methionine, which is neutral and non-polar, with leucine, which is neutral and non-polar, at codon 24 of the EZH2 protein (p.Met24Leu). This variant is not present in population databases (gnomAD no frequency). This variant has not been reported in the literature in individuals affected with EZH2-related conditions. An algorithm developed to predict the effect of missense changes on protein structure and function (PolyPhen-2) suggests that this variant is likely to be tolerated. In summary, the available evidence is currently insufficient to determine the role of this variant in disease. Therefore, it has been classified as a Variant of Uncertain Significance.

NM_004456.5(EZH2):c.70A>T (p.Met24Leu)

Gene: EZH2 (enhancer of zeste 2 polycomb repressive complex 2 subunit; minus strand). Cytogenetic location: 7q36.1.
Variant type: single nucleotide variant.
Coding change: c.70A>T on transcript NM_004456.5 (MANE Select); coding-DNA position 70, A replaced by T.
Protein change: p.Met24Leu; replaces methionine 24 with leucine.
Molecular consequence: missense variant.
Genome position (GRCh38, 1-based): chr7:148,847,229, T>A on the plus strand (A>T on the coding strand, the complement: EZH2 is on the minus strand). VCF-style: chr7-148847229-T-A. GRCh37 (hg19) VCF-style: chr7-148544321-T-A.
Other names: c.70A>T, p.Met24Leu (NM_001203247.2, NM_001203248.2, NM_001203249.2 and 1 more transcripts); short protein forms M24L.
Identifiers: ClinVar variation 3724496 (VCV003724496.2).